The following is an entry in ClinVar:

NM_004991.4(MECOM):c.2386G>C (p.Val796Leu)

Gene: MECOM (MDS1 and EVI1 complex locus; minus strand). Cytogenetic location: 3q26.2.
Variant type: single nucleotide variant.
Coding change: c.2386G>C on transcript NM_004991.4 (MANE Select); coding-DNA position 2386, G replaced by C.
Protein change: p.Val796Leu; replaces valine 796 with leucine.
Molecular consequence: missense variant.
Genome position (GRCh38, 1-based): chr3:169,115,486, C>G on the plus strand (G>C on the coding strand, the complement: MECOM is on the minus strand). VCF-style: chr3-169115486-C-G. GRCh37 (hg19) VCF-style: chr3-168833274-C-G.
Other names: c.2017G>C, p.Val673Leu (NM_001105077.4); c.1822G>C, p.Val608Leu (NM_001105078.4, NM_001164000.2, NM_001205194.2 and 4 more transcripts); c.1825G>C, p.Val609Leu (NM_001163999.2, NM_001366467.2, NM_001366468.2 and 1 more transcripts); c.2386G>C, p.Val796Leu (NM_001366466.2); c.1414G>C, p.Val472Leu (NM_001366473.2); c.850G>C, p.Val284Leu (NM_001366474.2); short protein forms V609L, V284L, V608L, V673L, V472L, V796L.
Identifiers: ClinVar variation 4624676 (VCV004624676.1).

ClinVar aggregate classification (germline): Uncertain significance (1 of 4 stars; one submission).

Conditions:
Inborn genetic diseases. Identifiers: MedGen C0950123, MeSH D030342.

Submission:

Ambry Genetics
Classification: Uncertain significance for Inborn genetic diseases. Last evaluated: 2025-11-02. Review status: criteria provided, single submitter. Criteria: Ambry Variant Classification Scheme 2023. Collection method: clinical testing. Allele origin: germline.
Comment: The p.V796L variant (also known as c.2386G>C), located in coding exon 8 of the MECOM gene, results from a G to C substitution at nucleotide position 2386. The valine at codon 796 is replaced by leucine, an amino acid with highly similar properties. This amino acid position is conserved. In addition, this alteration is predicted to be tolerated by in silico analysis. Based on the available evidence, the clinical significance of this variant remains unclear.